The following is an entry in ClinVar:

NM_000426.4(LAMA2):c.6690C>A (p.Tyr2230Ter)

Gene: LAMA2 (laminin subunit alpha 2; plus strand). Cytogenetic location: 6q22.33.
Variant type: single nucleotide variant.
Coding change: c.6690C>A on transcript NM_000426.4 (MANE Select); coding-DNA position 6690, C replaced by A.
Protein change: p.Tyr2230Ter; replaces tyrosine 2230 with a stop codon.
Molecular consequence: nonsense.
Genome position (GRCh38, 1-based): chr6:129,454,271, C>A. VCF-style: chr6-129454271-C-A. GRCh37 (hg19) VCF-style: chr6-129775416-C-A.
Other names: c.6690C>A, p.Tyr2230Ter (NM_001079823.2); short protein forms Y2230*.
Identifiers: ClinVar variation 652729 (VCV000652729.13), dbSNP rs1583790201, ClinGen allele CA365617315.

ClinVar aggregate classification (germline): Pathogenic. Review status: criteria provided, multiple submitters, no conflicts (2 of 4 stars). 2 submissions from 2 submitters: Pathogenic (2). Last evaluated 2025-12-10.

Conditions:
LAMA2-related muscular dystrophy (LAMA2-RD). Also called: Laminin alpha 2-related dystrophy. Identifiers: MedGen C5679788, MONDO:0100228.

Submissions (2):

Myriad Genetics, Inc.
Classification: Pathogenic for LAMA2-related muscular dystrophy. Last evaluated: 2025-12-10. Review status: criteria provided, single submitter. Criteria: Myriad Autosomal Dominant, Autosomal Recessive and X-Linked Classification Criteria (2023). Collection method: clinical testing. Allele origin: unknown.
Comment: NM_000426.3(LAMA2):c.6690C>A(Y2230*) is a nonsense variant classified as pathogenic in the context of muscular dystrophy, LAMA2-related. Y2230* has been observed in a case with relevant disease (PMID: 30055037). Relevant functional assessments of this variant are not available in the literature. Y2230* has not been observed in referenced population frequency databases. In summary, NM_000426.3(LAMA2):c.6690C>A(Y2230*) is a nonsense variant in a gene where loss of function is a known mechanism of disease, is predicted to disrupt protein function, and has been observed more frequently in cases with the relevant disease than in healthy populations. Please note: this variant was assessed in the context of healthy population screening.

Labcorp Genetics (formerly Invitae), Labcorp
Classification: Pathogenic for LAMA2-related muscular dystrophy. Last evaluated: 2025-05-12. Review status: criteria provided, single submitter. Criteria: Invitae Variant Classification Sherloc (09022015). Collection method: clinical testing. Allele origin: germline.
Comment: This sequence change creates a premature translational stop signal (p.Tyr2230*) in the LAMA2 gene. It is expected to result in an absent or disrupted protein product. Loss-of-function variants in LAMA2 are known to be pathogenic (PMID: 18700894, 32904964). This variant is not present in population databases (gnomAD no frequency). This premature translational stop signal has been observed in individual(s) with congenital muscular dystrophy (PMID: 30055037). ClinVar contains an entry for this variant (Variation ID: 652729). Algorithms developed to predict the effect of sequence changes on RNA splicing suggest that this variant may create or strengthen a splice site. For these reasons, this variant has been classified as Pathogenic.

Literature cited by the submitters: PubMed 30055037 (cited by Myriad Genetics, Inc. and Labcorp Genetics (formerly Invitae), Labcorp); PubMed 18700894 (cited by Labcorp Genetics (formerly Invitae), Labcorp); PubMed 32904964 (cited by Labcorp Genetics (formerly Invitae), Labcorp).